The following is an entry in ClinVar:

ClinVar aggregate classification (germline): Uncertain significance (1 of 4 stars; one submission).

Submission:

Labcorp Genetics (formerly Invitae), Labcorp
Classification: Uncertain significance. Last evaluated: 2025-11-13. Review status: criteria provided, single submitter. Criteria: Invitae Variant Classification Sherloc (09022015). Collection method: clinical testing. Allele origin: germline.
Comment: This sequence change creates a premature translational stop signal (p.Ser12Glufs*24) in the ERBB4 gene. It is expected to result in an absent or disrupted protein product. However, the current clinical and genetic evidence is not sufficient to establish whether loss-of-function variants in ERBB4 cause disease. This variant is not present in population databases (gnomAD no frequency). This variant has not been reported in the literature in individuals affected with ERBB4-related conditions. In summary, the available evidence is currently insufficient to determine the role of this variant in disease. Therefore, it has been classified as a Variant of Uncertain Significance.

NM_005235.3(ERBB4):c.32dup (p.Ser12fs)

Gene: ERBB4 (erb-b2 receptor tyrosine kinase 4; minus strand). Cytogenetic location: 2q34.
Variant type: Duplication.
Coding change: c.32dup on transcript NM_005235.3 (MANE Select); coding-DNA position 32, one base duplicated (T; older notation c.32dupT).
Protein change: p.Ser12fs; shifts the reading frame from serine 12.
Molecular consequence: frameshift variant.
Genome position (GRCh38, 1-based): chr2:212,538,499, A duplicated on the plus strand (T on the coding strand, the reverse complement: ERBB4 is on the minus strand). VCF-style (leftmost placement, unchanged base first): chr2-212538498-C-CA. GRCh37 (hg19) VCF-style: chr2-213403222-C-CA.
Other names: c.32dup, p.Ser12fs (NM_001042599.2, NM_001439005.1, NM_001439006.1); short protein forms S12fs.
Identifiers: ClinVar variation 4730150 (VCV004730150.1).